The following is an entry in ClinVar:

ClinVar aggregate classification (germline): Likely benign (1 of 4 stars; one submission).

Allele frequency attached by ClinVar (database versions not stated): ESP Exome Variant Server 0.00015; ExAC 0.00016; TOPMed 0.00020; gnomAD 0.00021.
gnomAD v4.1: 362 of 1,613,720 alleles (0.022%); highest among the groups gnomAD compares: Non-Finnish European, 0.025%; no homozygotes.

Submission:

CeGaT Center for Human Genetics Tuebingen
Classification: Likely benign. Last evaluated: 2026-06-01. Review status: criteria provided, single submitter. Criteria: CeGaT Center For Human Genetics Tuebingen Variant Classification Criteria Version 2. Collection method: clinical testing. Allele origin: germline. Affected: yes. Observed: 2 variant alleles.
Comment: SPEN: BP4, BP7

NM_015001.3(SPEN):c.8379C>T (p.Ile2793=)

Gene: SPEN (spen family transcriptional repressor; plus strand). Cytogenetic location: 1p36.13.
Variant type: single nucleotide variant.
Coding change: c.8379C>T on transcript NM_015001.3 (MANE Select); coding-DNA position 8379, C replaced by T.
Protein change: p.Ile2793=; no amino-acid change (isoleucine 2793 retained).
Molecular consequence: synonymous variant.
Genome position (GRCh38, 1-based): chr1:15,934,619, C>T. VCF-style: chr1-15934619-C-T. GRCh37 (hg19) VCF-style: chr1-16261114-C-T.
Identifiers: ClinVar variation 1711212 (VCV001711212.30), dbSNP rs146941550, ClinGen allele CA620276.
Genomic context (GRCh38, chr1:15,934,619, plus strand): 5'-CAAACAGAGAGCGAGTGCTAATGAAAACAGTCGGTTCCACCCAGGGTCCATGCCTGTGAT[C>T]GACGATCGTCCGGCAGACGCGGGCTCAGGGGCGGGGCTGCGTGTGAACACTTCTGAAGGG-3'
Protein context (NP_055816.2, residues 2783-2803): SRFHPGSMPV[Ile2793=]DDRPADAGSG